The following is an entry in ClinVar:

ClinVar aggregate classification (germline): Likely benign (0 of 4 stars; one submission).

Conditions:
DLGAP2-related disorder. Also called: DLGAP2-related condition.

Allele frequency attached by ClinVar (database versions not stated): ExAC 0.00009; TOPMed 0.00009; gnomAD 0.00012; ESP Exome Variant Server 0.00016; 1000 Genomes Project 0.00020; 1000 Genomes Project 30x 0.00031.
gnomAD v4.1: 50 of 1,603,802 alleles (0.0031%); highest among the groups gnomAD compares: African/African-American, 0.035%; no homozygotes.

Submission:

PreventionGenetics, part of Exact Sciences
Classification: Likely benign for DLGAP2-related condition. Last evaluated: 2019-05-23. Review status: no assertion criteria provided. Collection method: clinical testing. Allele origin: germline.
Comment: This variant is classified as likely benign based on ACMG/AMP sequence variant interpretation guidelines (Richards et al. 2015 PMID: 25741868, with internal and published modifications).

NM_001346810.2(DLGAP2):c.1467C>T (p.Ser489=)

Gene: DLGAP2 (DLG associated protein 2; plus strand). Cytogenetic location: 8p23.3.
Variant type: single nucleotide variant.
Coding change: c.1467C>T on transcript NM_001346810.2 (MANE Select); coding-DNA position 1467, C replaced by T.
Protein change: p.Ser489=; no amino-acid change (serine 489 retained).
Molecular consequence: synonymous variant.
Genome position (GRCh38, 1-based): chr8:1,626,764, C>T. VCF-style: chr8-1626764-C-T. GRCh37 (hg19) VCF-style: chr8-1574930-C-T.
Identifiers: ClinVar variation 3039232 (VCV003039232.2), dbSNP rs201567259, ClinGen allele CA4598483.